The following is an entry in ClinVar:

NM_001271938.2(MEGF8):c.8140G>T (p.Ala2714Ser)

Gene: MEGF8 (multiple EGF like domains 8; plus strand). Cytogenetic location: 19q13.2.
Variant type: single nucleotide variant.
Coding change: c.8140G>T on transcript NM_001271938.2 (MANE Select); coding-DNA position 8140, G replaced by T.
Protein change: p.Ala2714Ser; replaces alanine 2714 with serine.
Molecular consequence: missense variant.
Genome position (GRCh38, 1-based): chr19:42,376,377, G>T. VCF-style: chr19-42376377-G-T. GRCh37 (hg19) VCF-style: chr19-42880529-G-T.
Other names: c.7939G>T, p.Ala2647Ser (NM_001410.3); c.7939G>T (NM_001410.2); short protein forms A2714S, A2647S.
Identifiers: ClinVar variation 1379507 (VCV001379507.6), dbSNP rs548176972, ClinGen allele CA9476328.

ClinVar aggregate classification (germline): Uncertain significance. Review status: criteria provided, multiple submitters, no conflicts (2 of 4 stars). 2 submissions from 2 submitters: Uncertain significance (2). Last evaluated 2021-10-06.

Conditions:
Inborn genetic diseases. Identifiers: MedGen C0950123, MeSH D030342.
MEGF8-related Carpenter syndrome. Also called: Carpenter syndrome 2. Identifiers: Orphanet 65759, MedGen C3554247, MONDO:0013998, OMIM 614976.

gnomAD v4.1: 13 of 1,613,050 alleles (0.00081%); highest among the groups gnomAD compares: Admixed American, 0.0017%; no homozygotes.

Submissions (2):

Ambry Genetics
Classification: Uncertain significance for Inborn genetic diseases. Last evaluated: 2021-10-06. Review status: criteria provided, single submitter. Criteria: Ambry Variant Classification Scheme 2023. Collection method: clinical testing. Allele origin: germline.

Labcorp Genetics (formerly Invitae), Labcorp
Classification: Uncertain significance for MEGF8-related Carpenter syndrome. Last evaluated: 2021-09-01. Review status: criteria provided, single submitter. Criteria: Invitae Variant Classification Sherloc (09022015). Collection method: clinical testing. Allele origin: germline.
Comment: This sequence change replaces alanine with serine at codon 2647 of the MEGF8 protein (p.Ala2647Ser). The alanine residue is moderately conserved and there is a moderate physicochemical difference between alanine and serine. This variant is present in population databases (rs548176972, ExAC 0.009%). This variant has not been reported in the literature in individuals affected with MEGF8-related conditions. Algorithms developed to predict the effect of missense changes on protein structure and function (SIFT, PolyPhen-2, Align-GVGD) all suggest that this variant is likely to be tolerated. In summary, the available evidence is currently insufficient to determine the role of this variant in disease. Therefore, it has been classified as a Variant of Uncertain Significance.